The following is an entry in ClinVar:

NM_001844.5(COL2A1):c.1379T>C (p.Ile460Thr)

Gene: COL2A1 (collagen type II alpha 1 chain; minus strand). Cytogenetic location: 12q13.11.
Variant type: single nucleotide variant.
Coding change: c.1379T>C on transcript NM_001844.5 (MANE Select); coding-DNA position 1379, T replaced by C.
Protein change: p.Ile460Thr; replaces isoleucine 460 with threonine.
Molecular consequence: missense variant.
Genome position (GRCh38, 1-based): chr12:47,986,875, A>G on the plus strand (T>C on the coding strand, the complement: COL2A1 is on the minus strand). VCF-style: chr12-47986875-A-G. GRCh37 (hg19) VCF-style: chr12-48380658-A-G.
Other names: c.1172T>C, p.Ile391Thr (NM_033150.3); short protein forms I391T, I460T.
Identifiers: ClinVar variation 3346621 (VCV003346621.1).
Genomic context (GRCh38, chr12:47,986,875, plus strand): 5'-GCTTGGGGGCAGATACTCACAGGTTCTCCCTTGGGGCCTTGTTCACCTTTGAAGCCAGCA[A>G]TACCAGGTTCACCCTTGAAAAGAGAGGCAGGTCCTCACACCAGATTCTCTCCAGGGAGCC-3'
Protein context (NP_001835.3, residues 450-470): GPKGQTGEPG[Ile460Thr]AGFKGEQGPK

ClinVar aggregate classification (germline): Uncertain significance (0 of 4 stars; one submission).

Conditions:
COL2A1-related disorder. Also called: COL2A1-related condition; COL2A1-related disorders.

gnomAD v4.1: 1 of 1,614,066 alleles (0.000062%); highest among the groups gnomAD compares: Non-Finnish European, 0.000085%; no homozygotes.

Submission:

PreventionGenetics, part of Exact Sciences
Classification: Uncertain significance for COL2A1-related condition. Last evaluated: 2024-07-25. Review status: no assertion criteria provided. Collection method: clinical testing. Allele origin: germline.
Comment: The COL2A1 c.1379T>C variant is predicted to result in the amino acid substitution p.Ile460Thr. To our knowledge, this variant has not been reported in the literature or in a large population database, indicating this variant is rare. At this time, the clinical significance of this variant is uncertain due to the absence of conclusive functional and genetic evidence.